The following is an entry in ClinVar:

NM_021922.3(FANCE):c.1113+1G>A

Gene: FANCE (FA complementation group E; plus strand). Cytogenetic location: 6p21.31.
Variant type: single nucleotide variant.
Coding change: c.1113+1G>A on transcript NM_021922.3 (MANE Select); the canonical splice donor site of the intron after coding-DNA position 1113, G replaced by A.
Molecular consequence: splice donor variant.
Genome position (GRCh38, 1-based): chr6:35,458,441, G>A. VCF-style: chr6-35458441-G-A. GRCh37 (hg19) VCF-style: chr6-35426218-G-A.
Other names: c.1113+1G>A (NM_001410876.1).
Identifiers: ClinVar variation 1066481 (VCV001066481.8), dbSNP rs2150895088, ClinGen allele CA363775531.
Genomic context (GRCh38, chr6:35,458,441, plus strand): 5'-TCACCTGATCTCAGCCTCAGCAATGCTACTGTGCTGACCAGAAGCCTCTTTCTTGGACGG[G>A]TAGGTGTATTGGGAGGTACTCAGAGTGCCAAGGACAATGGGGAAGAGCAACTGGGCCCTC-3'

ClinVar aggregate classification (germline): Likely pathogenic (1 of 4 stars; one submission).

Conditions:
Fanconi anemia complementation group E (FANCE). Also called: FANCE-Related Fanconi Anemia. Identifiers: Orphanet 84, MedGen C3160739, MONDO:0010953, OMIM 600901.

Submissions (2):

Labcorp Genetics (formerly Invitae), Labcorp
Classification: Likely pathogenic for Fanconi anemia complementation group E. Last evaluated: 2024-04-29. Review status: criteria provided, single submitter. Criteria: Invitae Variant Classification Sherloc (09022015). Collection method: clinical testing. Allele origin: germline.
Comment: This sequence change affects a donor splice site in intron 5 of the FANCE gene. It is expected to disrupt RNA splicing. Variants that disrupt the donor or acceptor splice site typically lead to a loss of protein function (PMID: 16199547), and loss-of-function variants in FANCE are known to be pathogenic (PMID: 11001585, 17924555). This variant is not present in population databases (gnomAD no frequency). This variant has not been reported in the literature in individuals affected with FANCE-related conditions. ClinVar contains an entry for this variant (Variation ID: 1066481). Algorithms developed to predict the effect of sequence changes on RNA splicing suggest that this variant may disrupt the consensus splice site. In summary, the currently available evidence indicates that the variant is pathogenic, but additional data are needed to prove that conclusively. Therefore, this variant has been classified as Likely Pathogenic.

Dr. Peter K. Rogan Lab, Western University
No classification provided (evidence only). Condition: Thyroid cancer, nonmedullary, 1. Review status: no classification provided. Collection method: in vitro. Allele origin: not applicable. Functional consequence: retained intron. Not counted in ClinVar's aggregate classification.

Literature cited by the submitters: PubMed 16199547 (cited by Labcorp Genetics (formerly Invitae), Labcorp); PubMed 11001585 (cited by Labcorp Genetics (formerly Invitae), Labcorp); PubMed 17924555 (cited by Labcorp Genetics (formerly Invitae), Labcorp).